The following is an entry in ClinVar:

ClinVar aggregate classification (germline): Likely benign (1 of 4 stars; one submission).

Allele frequency attached by ClinVar (database versions not stated): ESP Exome Variant Server 0.00008; TOPMed 0.00060; gnomAD exomes 0.00076; 1000 Genomes Project 30x 0.00094; 1000 Genomes Project 0.00100; gnomAD 0.00113; ExAC 0.00148.
gnomAD v4.1: 1,300 of 1,614,126 alleles (0.081%); highest among the groups gnomAD compares: East Asian, 0.89%; 8 homozygotes.

Submission:

CeGaT Center for Human Genetics Tuebingen
Classification: Likely benign. Last evaluated: 2026-03-01. Review status: criteria provided, single submitter. Criteria: CeGaT Center For Human Genetics Tuebingen Variant Classification Criteria Version 2. Collection method: clinical testing. Allele origin: germline. Affected: yes. Observed: 2 variant alleles.
Comment: DNAH3: BP4, BS2

NM_001347886.2(DNAH3):c.9251T>C (p.Ile3084Thr)

Gene: DNAH3 (dynein axonemal heavy chain 3; minus strand). Cytogenetic location: 16p12.3.
Variant type: single nucleotide variant.
Coding change: c.9251T>C on transcript NM_001347886.2 (MANE Select); coding-DNA position 9251, T replaced by C.
Protein change: p.Ile3084Thr; replaces isoleucine 3084 with threonine.
Molecular consequence: missense variant.
Genome position (GRCh38, 1-based): chr16:20,964,495, A>G on the plus strand (T>C on the coding strand, the complement: DNAH3 is on the minus strand). VCF-style: chr16-20964495-A-G. GRCh37 (hg19) VCF-style: chr16-20975817-A-G.
Other names: c.9389T>C, p.Ile3130Thr (NM_017539.2); short protein forms I3084T, I3130T.
Identifiers: ClinVar variation 2646290 (VCV002646290.24), dbSNP rs146749118, ClinGen allele CA7946281.